The following is an entry in ClinVar:

NM_000535.7(PMS2):c.1628A>G (p.Asp543Gly)

Gene: PMS2 (PMS1 homolog 2, mismatch repair system component; minus strand). Cytogenetic location: 7p22.1.
Variant type: single nucleotide variant.
Coding change: c.1628A>G on transcript NM_000535.7 (MANE Select); coding-DNA position 1628, A replaced by G.
Protein change: p.Asp543Gly; replaces aspartic acid 543 with glycine.
Molecular consequence: missense variant. On other transcripts: non-coding transcript variant (1).
Genome position (GRCh38, 1-based): chr7:5,987,137, T>C on the plus strand (A>G on the coding strand, the complement: PMS2 is on the minus strand). VCF-style: chr7-5987137-T-C. GRCh37 (hg19) VCF-style: chr7-6026768-T-C.
Other names: c.1223A>G, p.Asp408Gly (NM_001322003.2, NM_001322004.2, NM_001322005.2 and 1 more transcripts); c.1472A>G, p.Asp491Gly (NM_001322006.2); c.1310A>G, p.Asp437Gly (NM_001322007.2, NM_001322008.2); c.1067A>G, p.Asp356Gly (NM_001322010.2); c.695A>G, p.Asp232Gly (NM_001322011.2, NM_001322012.2); c.1055A>G, p.Asp352Gly (NM_001322013.2); c.1628A>G, p.Asp543Gly (NM_001322014.2); c.1319A>G, p.Asp440Gly (NM_001322015.2); short protein forms D543G, D352G, D437G, D440G, D232G, D408G, D491G, D356G.
Identifiers: ClinVar variation 411078 (VCV000411078.9), dbSNP rs1060503146, ClinGen allele CA16612216.
Genomic context (GRCh38, chr7:5,987,137, plus strand): 5'-CGAAATTTACATCCGGTATCTTCCTGGTTTGAATGGCAGTCCACATCTGAAAAAGAGTCG[T>C]CAGTTTTAGGCGCTTTCTCCTGAGAGTCCACATGTTCCTGCGAGCCCCTGTCCCCTGGGG-3'
Protein context (NP_000526.2, residues 533-553): VDSQEKAPKT[Asp543Gly]DSFSDVDCHS

ClinVar aggregate classification (germline): Uncertain significance (1 of 4 stars; one submission).

Conditions:
Hereditary nonpolyposis colorectal neoplasms. Identifiers: MedGen C0009405, MeSH D003123.

Submission:

Labcorp Genetics (formerly Invitae), Labcorp
Classification: Uncertain significance for Hereditary nonpolyposis colorectal neoplasms. Last evaluated: 2018-09-01. Review status: criteria provided, single submitter. Criteria: Invitae Variant Classification Sherloc (09022015). Collection method: clinical testing. Allele origin: germline.
Comment: In summary, the available evidence is currently insufficient to determine the role of this variant in disease. Therefore, it has been classified as a Variant of Uncertain Significance. Algorithms developed to predict the effect of missense changes on protein structure and function output the following: SIFT: "Tolerated"; PolyPhen-2: "Benign"; Align-GVGD: "Class C0". The glycine amino acid residue is found in multiple mammalian species, suggesting that this missense change does not adversely affect protein function. These predictions have not been confirmed by published functional studies and their clinical significance is uncertain. This variant has not been reported in the literature in individuals with PMS2-related disease. ClinVar contains an entry for this variant (Variation ID: 411078). This variant is not present in population databases (ExAC no frequency). This sequence change replaces aspartic acid with glycine at codon 543 of the PMS2 protein (p.Asp543Gly). The aspartic acid residue is weakly conserved and there is a moderate physicochemical difference between aspartic acid and glycine.